The following is an entry in ClinVar:

ClinVar aggregate classification (germline): Pathogenic. Review status: reviewed by expert panel (3 of 4 stars). 2 submissions from 2 submitters: Pathogenic (1). 1 of the submissions does not count toward it. Last evaluated 2025-09-07.

Conditions:
X-linked cone-rod dystrophy 1 (CORDX1). Identifiers: Orphanet 1872, MedGen C1844776, MONDO:0010566, OMIM 304020.
Retinitis pigmentosa, X-linked, and sinorespiratory infections, with or without deafness (RPSRDF). Identifiers: Orphanet 247522, MedGen C2749137, OMIM 300455.
Macular degeneration, X-linked atrophic. Identifiers: Orphanet 1872, MedGen C3151784, MONDO:0010443, OMIM 300834.
Retinitis pigmentosa 3. Also called: CHOROIDORETINAL DEGENERATION WITH RETINAL REFLEX IN HETEROZYGOUS WOMEN. Identifiers: Orphanet 791, MedGen C1845667, MONDO:0010227, OMIM 300029.
RPGR-related retinopathy. Also called: RPGR retinopathy. Identifiers: MedGen CN305589, MONDO:0100437.

Submissions (2):

ClinGen X-linked Inherited Retinal Disease Variant Curation Expert Panel, ClinGen
Classification: Pathogenic for RPGR-related retinopathy. Last evaluated: 2025-09-07. Review status: reviewed by expert panel. Criteria: ClinGen X LinkedIRD ACMG Specifications RPGR V1.0.0. Collection method: curation. Allele origin: germline. Inheritance: X-linked inheritance.
Comment: NM_001034853.2(RPGR):c.1506+1G>T is a canonical splice site variant in intron 12 that is predicted to disrupt splicing and induce skipping of out-of-frame exon 12, which is expected to introduce a premature stop codon and trigger nonsense-mediated decay (PVS1). This variant is absent from gnomAD v4.1.0 (PM2_Supporting). The variant has been reported to segregate with retinal dystrophy through at least 2 affected meioses from 1 family (PP1; PMID: 36835250). This variant has been reported in at least 2 apparently unrelated probands (PMID: 34745198, PMID: 36835250). However, the number of individuals meeting one of the PS4 requirements of some functional vision impairment in affected males by age 30 years, or decreased or absent lectroretinogram responses was fewer than the requirement of at least 2, so PS4_Supporting was not met. In summary, this variant is classified as pathogenic for RPGR-related retinopathy based on the ClinGen X-linked Inherited Retinal Disease Expert Panel Specifications to the ACMG/AMP Variant Interpretation Guidelines for RPGR Version 1.0.0; PVS1, PP1, and PM2_Supporting.

Fulgent Genetics
Classification: Likely pathogenic for Retinitis pigmentosa 3; Retinitis pigmentosa, X-linked, and sinorespiratory infections, with or without deafness; Macular degeneration, X-linked atrophic; X-linked cone-rod dystrophy 1. Last evaluated: 2024-05-07. Review status: criteria provided, single submitter. Criteria: ACMG Guidelines, 2015. Collection method: clinical testing. Allele origin: germline. Not counted in ClinVar's aggregate classification.

NM_001034853.2(RPGR):c.1506+1G>T

Gene: RPGR (retinitis pigmentosa GTPase regulator; minus strand). Cytogenetic location: Xp11.4.
Variant type: single nucleotide variant.
Coding change: c.1506+1G>T on transcript NM_001034853.2 (MANE Select); the canonical splice donor site of the intron after coding-DNA position 1506, G replaced by T.
Molecular consequence: splice donor variant.
Genome position (GRCh38, 1-based): chrX:38,291,392, C>A on the plus strand (G>T on the coding strand, the complement: RPGR is on the minus strand). VCF-style: chrX-38291392-C-A. GRCh37 (hg19) VCF-style: chrX-38150645-C-A.
Other names: c.1503+1G>T (NM_001367249.1, NM_001367250.1, NM_001367245.1); c.1320+1G>T (NM_001367251.1, NM_001367246.1); c.1506+1G>T (NM_001367247.1, NM_000328.3); c.1536+1G>T (NM_001367248.1).
Identifiers: ClinVar variation 3598278 (VCV003598278.2).